The following is an entry in ClinVar:

NM_006918.5(SC5D):c.*1851C>G

Gene: SC5D (sterol-C5-desaturase; plus strand). Cytogenetic location: 11q24.1.
Variant type: single nucleotide variant.
Coding change: c.*1851C>G on transcript NM_006918.5 (MANE Select); 1851 bases downstream of the stop codon, C replaced by G.
Molecular consequence: 3 prime UTR variant.
Genome position (GRCh38, 1-based): chr11:121,309,363, C>G. VCF-style: chr11-121309363-C-G. GRCh37 (hg19) VCF-style: chr11-121180072-C-G.
Other names: c.*1851C>G (NM_001024956.3).
Identifiers: ClinVar variation 303073 (VCV000303073.5), dbSNP rs73592762, ClinGen allele CA10637572.
Genomic context (GRCh38, chr11:121,309,363, plus strand): 5'-TTTCTGGGTCAGGCCTGGAAGTGGTGCATATCTCTTCCGCCCATGTTCCTTTGGACAGAA[C>G]TCCGTCACATGGCCCACCTAGAGAGATTTTGGGAAATGTGTCCAGCTGTGTGCCTGGGAG-3'

ClinVar aggregate classification (germline): Benign (1 of 4 stars; one submission).

Conditions:
Lathosterolosis. Also called: SC5D DEFICIENCY; STEROL C5-DESATURASE DEFICIENCY. Identifiers: Orphanet 46059, MedGen C1846421, MONDO:0011816, OMIM 607330.

Allele frequency attached by ClinVar (database versions not stated): gnomAD 0.00754 and 0.00797; TOPMed 0.00834; 1000 Genomes Project 30x 0.01093; 1000 Genomes Project 0.01118.

Submission:

Illumina Laboratory Services, Illumina
Classification: Benign for Lathosterolosis. Last evaluated: 2018-01-12. Review status: criteria provided, single submitter. Criteria: ICSL Variant Classification Criteria 13 December 2019. Collection method: clinical testing. Allele origin: germline.
Comment: This variant was observed in the ICSL laboratory as part of a predisposition screen in an ostensibly healthy population. It had not been previously curated by ICSL or reported in the Human Gene Mutation Database (HGMD: prior to June 1st, 2018), and was therefore a candidate for classification through an automated scoring system. Utilizing variant allele frequency, disease prevalence and penetrance estimates, and inheritance mode, an automated score was calculated to assess if this variant is too frequent to cause the disease. Based on the score and internal cut-off values, a variant classified as benign is not then subjected to further curation. The score for this variant resulted in a classification of benign for this disease.